The following is an entry in ClinVar:

NM_000059.4(BRCA2):c.7436A>G (p.Asp2479Gly)

Gene: BRCA2 (BRCA2 DNA repair associated; plus strand). Cytogenetic location: 13q13.1.
Variant type: single nucleotide variant.
Coding change: c.7436A>G on transcript NM_000059.4 (MANE Select); coding-DNA position 7436, A replaced by G.
Protein change: p.Asp2479Gly; replaces aspartic acid 2479 with glycine.
Molecular consequence: missense variant.
Genome position (GRCh38, 1-based): chr13:32,356,428, A>G. VCF-style: chr13-32356428-A-G. GRCh37 (hg19) VCF-style: chr13-32930565-A-G.
Other names: short protein forms D2479G.
Identifiers: ClinVar variation 182239 (VCV000182239.17), dbSNP rs730881555, ClinGen allele CA025089.

ClinVar aggregate classification (germline): Uncertain significance. Review status: criteria provided, multiple submitters, no conflicts (2 of 4 stars). 3 submissions from 3 submitters: Uncertain significance (3). Last evaluated 2025-03-16.

Conditions:
Hereditary cancer-predisposing syndrome. Also called: Tumor predisposition; Hereditary Cancer Syndrome; Hereditary neoplastic syndrome; Neoplastic Syndromes, Hereditary. Identifiers: Orphanet 140162, MedGen C0027672, MeSH D009386, MONDO:0015356.
Hereditary breast ovarian cancer syndrome. Also called: Breast and ovarian cancer; Hereditary breast and ovarian cancer; Hereditary breast and/or ovarian cancer syndrome; BRCA1- and BRCA2-Associated Hereditary Breast and Ovarian Cancer; Hereditary breast and ovarian cancer syndrome (HBOC); Hereditary breast and ovarian cancer syndrome. Identifiers: Orphanet 145, MedGen C0677776, MeSH D061325, MONDO:0003582. Disease mechanism: loss of function.

Allele frequency attached by ClinVar (database versions not stated): gnomAD exomes below 0.00001.
gnomAD v4.1: 2 of 1,612,456 alleles (0.00012%); highest among the groups gnomAD compares: Non-Finnish European, 0.000085%; no homozygotes.

Submissions (3):

Ambry Genetics
Classification: Uncertain significance for Hereditary cancer-predisposing syndrome. Last evaluated: 2025-03-16. Review status: criteria provided, single submitter. Criteria: Ambry Variant Classification Scheme 2023. Collection method: clinical testing. Allele origin: germline.
Comment: The p.D2479G variant (also known as c.7436A>G) is located in coding exon 14 of the BRCA2 gene. The aspartic acid at codon 2479 is replaced by glycine, an amino acid with similar properties. This change occurs in the first base pair of coding exon 14. The results from two saturation genome editing-based studies, including a haploid cell-survival assay and a humanized mouse embryonic stem cell line assay of drug response and survival, are discordant for this nucleotide substitution (Huang H et al. Nature. 2025 Feb;638(8050):528-537; Sahu S et al. Nature. 2025 Feb;638(8050):538-545). This amino acid position is highly conserved in available vertebrate species. In addition, the in silico prediction for this alteration is inconclusive. Based on the available evidence, the clinical significance of this variant remains unclear.

Labcorp Genetics (formerly Invitae), Labcorp
Classification: Uncertain significance for Hereditary breast ovarian cancer syndrome. Last evaluated: 2024-11-05. Review status: criteria provided, single submitter. Criteria: Invitae Variant Classification Sherloc (09022015). Collection method: clinical testing. Allele origin: germline.
Comment: This sequence change replaces aspartic acid, which is acidic and polar, with glycine, which is neutral and non-polar, at codon 2479 of the BRCA2 protein (p.Asp2479Gly). This variant is not present in population databases (gnomAD no frequency). This variant has not been reported in the literature in individuals affected with BRCA2-related conditions. ClinVar contains an entry for this variant (Variation ID: 182239). An algorithm developed to predict the effect of missense changes on protein structure and function outputs the following: PolyPhen-2: "Benign". The glycine amino acid residue is found in multiple mammalian species, which suggests that this missense change does not adversely affect protein function. In summary, the available evidence is currently insufficient to determine the role of this variant in disease. Therefore, it has been classified as a Variant of Uncertain Significance.

Quest Diagnostics Nichols Institute San Juan Capistrano
Classification: Uncertain significance. Last evaluated: 2023-05-18. Review status: criteria provided, single submitter. Criteria: Quest Diagnostics criteria. Collection method: clinical testing. Allele origin: unknown.
Comment: This variant has not been reported in the published literature. It also has not been reported in large, multi-ethnic general populations (Genome Aggregation Database). Analysis of this variant using bioinformatics tools for the prediction of the effect of amino acid changes on protein structure and function yielded conflicting predictions that this variant is benign or damaging. Based on the available information, we are unable to determine the clinical significance of this variant.

Literature cited by the submitters: PubMed 39779848 (cited by Ambry Genetics); PubMed 39779857 (cited by Ambry Genetics).